The following is an entry in ClinVar:

NM_017547.4(FOXRED1):c.418-1G>T

Gene: FOXRED1 (FAD dependent oxidoreductase domain containing 1; plus strand). Cytogenetic location: 11q24.2.
Variant type: single nucleotide variant.
Coding change: c.418-1G>T on transcript NM_017547.4 (MANE Select); the canonical splice acceptor site of the intron before coding-DNA position 418, G replaced by T.
Molecular consequence: splice acceptor variant.
Genome position (GRCh38, 1-based): chr11:126,273,335, G>T. VCF-style: chr11-126273335-G-T. GRCh37 (hg19) VCF-style: chr11-126143230-G-T.
Identifiers: ClinVar variation 632155 (VCV000632155.8), dbSNP rs771941278, ClinGen allele CA6354083.

ClinVar aggregate classification (germline): Likely pathogenic (1 of 4 stars; one submission).

Allele frequency attached by ClinVar (database versions not stated): gnomAD exomes 0.00001 and 0.00007; TOPMed 0.00002; ExAC 0.00007.

Submission:

Labcorp Genetics (formerly Invitae), Labcorp
Classification: Likely pathogenic. Last evaluated: 2023-04-27. Review status: criteria provided, single submitter. Criteria: Invitae Variant Classification Sherloc (09022015). Collection method: clinical testing. Allele origin: germline.
Comment: This variant has not been reported in the literature in individuals affected with FOXRED1-related conditions. This variant is present in population databases (rs771941278, gnomAD 0.09%). This sequence change affects an acceptor splice site in intron 3 of the FOXRED1 gene. It is expected to disrupt RNA splicing. Variants that disrupt the donor or acceptor splice site typically lead to a loss of protein function (PMID: 16199547), and loss-of-function variants in FOXRED1 are known to be pathogenic (PMID: 20818383, 20858599). ClinVar contains an entry for this variant (Variation ID: 632155). In summary, the currently available evidence indicates that the variant is pathogenic, but additional data are needed to prove that conclusively. Therefore, this variant has been classified as Likely Pathogenic. Algorithms developed to predict the effect of sequence changes on RNA splicing suggest that this variant may disrupt the consensus splice site.

Literature cited by the submitters: PubMed 16199547; PubMed 20818383; PubMed 20858599.